The following is an entry in ClinVar:

NM_000310.4(PPT1):c.293C>A (p.Ala98Glu)

Gene: PPT1 (palmitoyl-protein thioesterase 1; minus strand). Cytogenetic location: 1p34.2.
Variant type: single nucleotide variant.
Coding change: c.293C>A on transcript NM_000310.4 (MANE Select); coding-DNA position 293, C replaced by A.
Protein change: p.Ala98Glu; replaces alanine 98 with glutamic acid.
Molecular consequence: missense variant. On other transcripts: intron variant (1).
Genome position (GRCh38, 1-based): chr1:40,092,114, G>T on the plus strand (C>A on the coding strand, the complement: PPT1 is on the minus strand). VCF-style: chr1-40092114-G-T. GRCh37 (hg19) VCF-style: chr1-40557786-G-T.
Other names: c.293C>A (NM_000310.3); c.293C>A, p.Ala98Glu (NM_001363695.2); c.125-2602C>A (NM_001142604.2); short protein forms A98E.
Identifiers: ClinVar variation 1462169 (VCV001462169.6), dbSNP rs768065632, ClinGen allele CA339849170.

ClinVar aggregate classification (germline): Uncertain significance. Review status: criteria provided, multiple submitters, no conflicts (2 of 4 stars). 2 submissions from 2 submitters: Uncertain significance (2). Last evaluated 2025-02-21.

Conditions:
Neuronal ceroid lipofuscinosis 1 (CLN1). Also called: CEROID LIPOFUSCINOSIS, NEURONAL, 1, VARIABLE AGE AT ONSET; PPT1-Related Neuronal Ceroid-Lipofuscinosis. Identifiers: Orphanet 228329, MedGen C1850451, MONDO:0009744, OMIM 256730.
Inborn genetic diseases. Identifiers: MedGen C0950123, MeSH D030342.

Allele frequency attached by ClinVar (database versions not stated): gnomAD 0.00001.
gnomAD v4.1: 6 of 1,613,922 alleles (0.00037%); highest among the groups gnomAD compares: Non-Finnish European, 0.00034%; no homozygotes.

Submissions (2):

Ambry Genetics
Classification: Uncertain significance for Inborn genetic diseases. Last evaluated: 2025-02-21. Review status: criteria provided, single submitter. Criteria: Ambry Variant Classification Scheme 2023. Collection method: clinical testing. Allele origin: germline.

Labcorp Genetics (formerly Invitae), Labcorp
Classification: Uncertain significance for Neuronal ceroid lipofuscinosis 1. Last evaluated: 2021-09-01. Review status: criteria provided, single submitter. Criteria: Invitae Variant Classification Sherloc (09022015). Collection method: clinical testing. Allele origin: germline.
Comment: This sequence change replaces alanine with glutamic acid at codon 98 of the PPT1 protein (p.Ala98Glu). The alanine residue is weakly conserved and there is a moderate physicochemical difference between alanine and glutamic acid. This variant is not present in population databases (ExAC no frequency). This variant has not been reported in the literature in individuals affected with PPT1-related conditions. Algorithms developed to predict the effect of missense changes on protein structure and function (SIFT, PolyPhen-2, Align-GVGD) all suggest that this variant is likely to be tolerated. In summary, the available evidence is currently insufficient to determine the role of this variant in disease. Therefore, it has been classified as a Variant of Uncertain Significance.